The following is an entry in ClinVar:

NM_032043.3(BRIP1):c.2173G>A (p.Val725Ile)

Gene: BRIP1 (BRCA1 interacting DNA helicase 1; minus strand). Cytogenetic location: 17q23.2.
Variant type: single nucleotide variant.
Coding change: c.2173G>A on transcript NM_032043.3 (MANE Select); coding-DNA position 2173, G replaced by A.
Protein change: p.Val725Ile; replaces valine 725 with isoleucine.
Molecular consequence: missense variant.
Genome position (GRCh38, 1-based): chr17:61,744,516, C>T on the plus strand (G>A on the coding strand, the complement: BRIP1 is on the minus strand). VCF-style: chr17-61744516-C-T. GRCh37 (hg19) VCF-style: chr17-59821877-C-T.
Other names: short protein forms V725I.
Identifiers: ClinVar variation 573046 (VCV000573046.11), dbSNP rs1236873736, ClinGen allele CA400483105.
Genomic context (GRCh38, chr17:61,744,516, plus strand): 5'-CGTCATAGTACACCTGCAGTAATTCATCAAAATTTGTTTTTTCTCCTCCCTGTGGTTCTA[C>T]AATGACTGTCTTCACCAACTCCAGATTATGCCATAAACCAGTAGAGAGCCAACGTTCTTT-3'
Protein context (NP_114432.2, residues 715-735): HNLELVKTVI[Val725Ile]EPQGGEKTNF

ClinVar aggregate classification (germline): Uncertain significance. Review status: criteria provided, multiple submitters, no conflicts (2 of 4 stars). 2 submissions from 2 submitters: Uncertain significance (2). Last evaluated 2023-11-04.

Conditions:
Hereditary cancer-predisposing syndrome. Also called: Hereditary neoplastic syndrome; Neoplastic Syndromes, Hereditary; Hereditary Cancer Syndrome; Tumor predisposition. Identifiers: Orphanet 140162, MedGen C0027672, MeSH D009386, MONDO:0015356.
Fanconi anemia complementation group J. Also called: BRIP1-Related Fanconi Anemia. Identifiers: Orphanet 84, MedGen C1836860, MONDO:0012187, OMIM 609054.
Familial cancer of breast. Also called: BREAST CANCER, FAMILIAL; hereditary breast carcinoma; Hereditary breast cancer. Identifiers: Orphanet 227535, MedGen C0346153, MONDO:0016419, OMIM 114480. Disease mechanism: loss of function.

Allele frequency attached by ClinVar (database versions not stated): gnomAD exomes below 0.00001.
gnomAD v4.1: 1 of 1,613,830 alleles (0.000062%); highest among the groups gnomAD compares: Admixed American, 0.0017%; no homozygotes.

Submissions (2):

Labcorp Genetics (formerly Invitae), Labcorp
Classification: Uncertain significance for Familial cancer of breast; Fanconi anemia complementation group J. Last evaluated: 2023-11-04. Review status: criteria provided, single submitter. Criteria: Invitae Variant Classification Sherloc (09022015). Collection method: clinical testing. Allele origin: germline.
Comment: This sequence change replaces valine, which is neutral and non-polar, with isoleucine, which is neutral and non-polar, at codon 725 of the BRIP1 protein (p.Val725Ile). This variant is present in population databases (no rsID available, gnomAD 0.003%). This variant has not been reported in the literature in individuals affected with BRIP1-related conditions. ClinVar contains an entry for this variant (Variation ID: 573046). Advanced modeling of protein sequence and biophysical properties (such as structural, functional, and spatial information, amino acid conservation, physicochemical variation, residue mobility, and thermodynamic stability) performed at Invitae indicates that this missense variant is not expected to disrupt BRIP1 protein function with a negative predictive value of 80%. In summary, the available evidence is currently insufficient to determine the role of this variant in disease. Therefore, it has been classified as a Variant of Uncertain Significance.

Ambry Genetics
Classification: Uncertain significance for Hereditary cancer-predisposing syndrome. Last evaluated: 2023-01-10. Review status: criteria provided, single submitter. Criteria: Ambry Variant Classification Scheme 2023. Collection method: clinical testing. Allele origin: germline.